The following is an entry in ClinVar:

NM_006231.4(POLE):c.448C>G (p.Arg150Gly)

Gene: POLE (DNA polymerase epsilon, catalytic subunit; minus strand). Cytogenetic location: 12q24.33.
Variant type: single nucleotide variant.
Coding change: c.448C>G on transcript NM_006231.4 (MANE Select); coding-DNA position 448, C replaced by G.
Protein change: p.Arg150Gly; replaces arginine 150 with glycine.
Molecular consequence: missense variant.
Genome position (GRCh38, 1-based): chr12:132,679,627, G>C on the plus strand (C>G on the coding strand, the complement: POLE is on the minus strand). VCF-style: chr12-132679627-G-C. GRCh37 (hg19) VCF-style: chr12-133256213-G-C.
Other names: c.448C>G (NM_006231.2); short protein forms R150G.
Identifiers: ClinVar variation 2081674 (VCV002081674.5), dbSNP rs775815329, ClinGen allele CA387367529.
Genomic context (GRCh38, chr12:132,679,627, plus strand): 5'-TCTCCTTCCTCACTTTGACAAGATCCTCCACAGTGTGGAAGGACAGCCTGATGTAATTTC[G>C]CTTCAAACCCACCAAGTGATTTGGCTATAATGCGAAGAGATCACGCTCATTGGTTCAAGA-3'
Protein context (NP_006222.2, residues 140-160): DLPNHLVGLK[Arg150Gly]NYIRLSFHTV

ClinVar aggregate classification (germline): Uncertain significance. Review status: criteria provided, multiple submitters, no conflicts (2 of 4 stars). 2 submissions from 2 submitters: Uncertain significance (2). Last evaluated 2025-08-21.

Conditions:
Hereditary cancer-predisposing syndrome. Also called: Tumor predisposition; Neoplastic Syndromes, Hereditary; Hereditary Cancer Syndrome; Hereditary neoplastic syndrome. Identifiers: Orphanet 140162, MedGen C0027672, MeSH D009386, MONDO:0015356.

Submissions (2):

Ambry Genetics
Classification: Uncertain significance for Hereditary cancer-predisposing syndrome. Last evaluated: 2025-08-21. Review status: criteria provided, single submitter. Criteria: Ambry Variant Classification Scheme 2023. Collection method: clinical testing. Allele origin: germline.
Comment: The p.R150G variant (also known as c.448C>G), located in coding exon 6 of the POLE gene, results from a C to G substitution at nucleotide position 448. The arginine at codon 150 is replaced by glycine, an amino acid with dissimilar properties. This amino acid position is highly conserved in available vertebrate species. In addition, the in silico prediction for this alteration is inconclusive. Based on the available evidence, the clinical significance of this variant remains unclear.

Labcorp Genetics (formerly Invitae), Labcorp
Classification: Uncertain significance. Last evaluated: 2022-01-13. Review status: criteria provided, single submitter. Criteria: Invitae Variant Classification Sherloc (09022015). Collection method: clinical testing. Allele origin: germline.
Comment: This sequence change replaces arginine, which is basic and polar, with glycine, which is neutral and non-polar, at codon 150 of the POLE protein (p.Arg150Gly). This variant is not present in population databases (gnomAD no frequency). This variant has not been reported in the literature in individuals affected with POLE-related conditions. Algorithms developed to predict the effect of missense changes on protein structure and function are either unavailable or do not agree on the potential impact of this missense change (SIFT: "Deleterious"; PolyPhen-2: "Possibly Damaging"; Align-GVGD: "Class C0"). In summary, the available evidence is currently insufficient to determine the role of this variant in disease. Therefore, it has been classified as a Variant of Uncertain Significance.